The following is an entry in ClinVar:

NM_213599.3(ANO5):c.1924C>G (p.Arg642Gly)

Gene: ANO5 (anoctamin 5; plus strand). Cytogenetic location: 11p14.3.
Variant type: single nucleotide variant.
Coding change: c.1924C>G on transcript NM_213599.3 (MANE Select); coding-DNA position 1924, C replaced by G.
Protein change: p.Arg642Gly; replaces arginine 642 with glycine.
Molecular consequence: missense variant.
Genome position (GRCh38, 1-based): chr11:22,270,337, C>G. VCF-style: chr11-22270337-C-G. GRCh37 (hg19) VCF-style: chr11-22291883-C-G.
Other names: c.1921C>G, p.Arg641Gly (NM_001142649.2); short protein forms R642G, R641G.
Identifiers: ClinVar variation 304104 (VCV000304104.50), dbSNP rs146341538, ClinGen allele CA5923408.

ClinVar aggregate classification (germline): Conflicting classifications of pathogenicity. Review status: criteria provided, conflicting classifications (1 of 4 stars). 10 submissions from 10 submitters: Likely pathogenic (2); Uncertain significance (7); Likely benign (1). Last evaluated 2026-01-29.

Conditions:
Gnathodiaphyseal dysplasia (GDD). Also called: GNATHODIAPHYSEAL SCLEROSIS; OSTEOGENESIS IMPERFECTA WITH UNUSUAL SKELETAL LESIONS. Identifiers: Orphanet 53697, MedGen C1833736, MONDO:0008151, OMIM 166260.
Autosomal recessive limb-girdle muscular dystrophy type 2L (LGMDR12). Also called: MUSCULAR DYSTROPHY, LIMB-GIRDLE, AUTOSOMAL RECESSIVE 12; Limb-Girdle Muscular Dystrophy R12 Anoctamin-5-Related (LGMD-R12); Limb-girdle muscular dystrophy, type 2L. Identifiers: Orphanet 206549, MedGen C1969785, MONDO:0012652, OMIM 611307.
Autosomal recessive limb-girdle muscular dystrophy. Identifiers: Orphanet 102015, MedGen C2931907, MONDO:0015152.
ANO5-related disorder. Also called: ANO5-related disorders; ANO5-related condition. Identifiers: MedGen CN239193.
ANO5-Related Muscle Diseases. Identifiers: MedGen CN180644.

Allele frequency attached by ClinVar (database versions not stated): gnomAD 0.00005; TOPMed 0.00006; ESP Exome Variant Server 0.00008.
gnomAD v4.1: 87 of 1,613,926 alleles (0.0054%); highest among the groups gnomAD compares: Non-Finnish European, 0.001%; no homozygotes.

Submissions (10):

Labcorp Genetics (formerly Invitae), Labcorp
Classification: Likely benign for Autosomal recessive limb-girdle muscular dystrophy type 2L; Gnathodiaphyseal dysplasia. Last evaluated: 2026-01-29. Review status: criteria provided, single submitter. Criteria: Invitae Variant Classification Sherloc (09022015). Collection method: clinical testing. Allele origin: germline.

Women's Health and Genetics/Laboratory Corporation of America, LabCorp
Classification: Uncertain significance. Last evaluated: 2025-11-06. Review status: criteria provided, single submitter. Criteria: LabCorp Variant Classification Summary - May 2015. Collection method: clinical testing. Allele origin: germline.
Comment: Variant summary: ANO5 c.1924C>G (p.Arg642Gly) results in a non-conservative amino acid change in the encoded protein sequence. Algorithms developed to predict the effect of missense changes on protein structure and function are either unavailable or do not agree on the potential impact of this missense change. The variant allele was found at a frequency of 0.00011 in 251416 control chromosomes. This frequency is not significantly higher than estimated for disease-causing variants in ANO5, allowing no conclusion about variant significance. c.1924C>G has been observed as a compound heterozygous genotype with a full deletion of the ANO5 gene (Exons 1-22) in an individual(s) affected with features of Limb-Girdle Muscular Dystrophy, Autosomal Recessive in a reference laboratory cohort (example, Nallamilli_2023 and non-primary information in Savarese_2015). These data do not allow any conclusion about variant significance. To our knowledge, no experimental evidence demonstrating an impact on protein function has been reported. The following publications have been ascertained in the context of this evaluation (PMID: 25891276, 37688281). ClinVar contains an entry for this variant (Variation ID: 304104). Based on the evidence outlined above, the variant was classified as uncertain significance.

GeneDx
Classification: Likely pathogenic. Last evaluated: 2025-04-09. Review status: criteria provided, single submitter. Criteria: GeneDx Variant Classification Process June 2021. Collection method: clinical testing. Allele origin: germline. Affected: yes.
Comment: In silico analysis supports that this missense variant has a deleterious effect on protein structure/function; This variant is associated with the following publications: (PMID: 37688281)

CeGaT Center for Human Genetics Tuebingen
Classification: Uncertain significance. Last evaluated: 2024-02-01. Review status: criteria provided, single submitter. Criteria: CeGaT Center For Human Genetics Tuebingen Variant Classification Criteria Version 2. Collection method: clinical testing. Allele origin: germline. Affected: yes. Observed: 1 variant allele.
Comment: ANO5: PM2

Athena Diagnostics
Classification: Uncertain significance. Last evaluated: 2023-11-21. Review status: criteria provided, single submitter. Criteria: Athena Diagnostics Criteria. Collection method: clinical testing. Allele origin: unknown.
Comment: Available data are insufficient to determine the clinical significance of the variant at this time. The frequency of this variant in the general population is uninformative in assessment of its pathogenicity. This variant has been identified in at least one individual with clinical features associated with this gene. Computational tools predict that this variant is damaging.

Revvity Omics, Revvity
Classification: Uncertain significance. Last evaluated: 2023-10-30. Review status: criteria provided, single submitter. Criteria: ACMG Guidelines, 2015. Collection method: clinical testing. Allele origin: germline.

Blueprint Genetics
Classification: Likely pathogenic for ANO5-related disorders. Last evaluated: 2023-07-26. Review status: criteria provided, single submitter. Criteria: ACMG Guidelines, 2015. Collection method: clinical testing. Allele origin: germline. Affected: yes. Observed: 5 variant alleles.

Department of Pathology and Laboratory Medicine, Sinai Health System
Classification: Uncertain significance for autosomal recessive limb-girdle muscular dystrophy. Last evaluated: 2021-07-30. Review status: criteria provided, single submitter. Criteria: ACMG Guidelines, 2015. Collection method: research. Allele origin: germline.

Eurofins Ntd Llc (ga)
Classification: Uncertain significance. Last evaluated: 2018-04-23. Review status: criteria provided, single submitter. Criteria: EGL ClinVar v180209 classification definitions. Collection method: clinical testing. Allele origin: germline. Observed: 1 variant allele, 1 heterozygote.

Illumina Laboratory Services, Illumina
Classification: Uncertain significance for ANO5-Related Muscle Diseases. Last evaluated: 2018-01-13. Review status: criteria provided, single submitter. Criteria: ICSL Variant Classification Criteria 13 December 2019. Collection method: clinical testing. Allele origin: germline.

Literature cited by the submitters: PubMed 25891276 (cited by Women's Health and Genetics/Laboratory Corporation of America, LabCorp and Athena Diagnostics); PubMed 37688281 (cited by Women's Health and Genetics/Laboratory Corporation of America, LabCorp and Athena Diagnostics).